The following is an entry in ClinVar:

NM_015909.4(NBAS):c.2636T>C (p.Leu879Pro)

Gene: NBAS (NBAS subunit of NRZ tethering complex; minus strand). Cytogenetic location: 2p24.3.
Variant type: single nucleotide variant.
Coding change: c.2636T>C on transcript NM_015909.4 (MANE Select); coding-DNA position 2636, T replaced by C.
Protein change: p.Leu879Pro; replaces leucine 879 with proline.
Molecular consequence: missense variant. On other transcripts: non-coding transcript variant (1).
Genome position (GRCh38, 1-based): chr2:15,417,654, A>G on the plus strand (T>C on the coding strand, the complement: NBAS is on the minus strand). VCF-style: chr2-15417654-A-G. GRCh37 (hg19) VCF-style: chr2-15557778-A-G.
Other names: short protein forms L879P.
Identifiers: ClinVar variation 1473574 (VCV001473574.8), dbSNP rs1344220299, ClinGen allele CA345887013.

ClinVar aggregate classification (germline): Uncertain significance (1 of 4 stars; one submission).

Submission:

Labcorp Genetics (formerly Invitae), Labcorp
Classification: Uncertain significance. Last evaluated: 2021-03-20. Review status: criteria provided, single submitter. Criteria: Invitae Variant Classification Sherloc (09022015). Collection method: clinical testing. Allele origin: germline.
Comment: In summary, the available evidence is currently insufficient to determine the role of this variant in disease. Therefore, it has been classified as a Variant of Uncertain Significance. Algorithms developed to predict the effect of missense changes on protein structure and function (SIFT, PolyPhen-2, Align-GVGD) all suggest that this variant is likely to be disruptive, but these predictions have not been confirmed by published functional studies and their clinical significance is uncertain. This variant has not been reported in the literature in individuals with NBAS-related conditions. This variant is not present in population databases (ExAC no frequency). This sequence change replaces leucine with proline at codon 879 of the NBAS protein (p.Leu879Pro). The leucine residue is highly conserved and there is a moderate physicochemical difference between leucine and proline.